The following is an entry in ClinVar:

ClinVar aggregate classification (germline): Uncertain significance (1 of 4 stars; one submission).

Submission:

Labcorp Genetics (formerly Invitae), Labcorp
Classification: Uncertain significance. Last evaluated: 2024-06-19. Review status: criteria provided, single submitter. Criteria: Invitae Variant Classification Sherloc (09022015). Collection method: clinical testing. Allele origin: germline.
Comment: This sequence change affects codon 1092 of the NYNRIN mRNA. It is a 'silent' change, meaning that it does not change the encoded amino acid sequence of the NYNRIN protein. This variant is present in population databases (rs371702363, gnomAD 0.005%). This variant has not been reported in the literature in individuals affected with NYNRIN-related conditions. Experimental studies and prediction algorithms are not available or were not evaluated, and the effect of this variant on mRNA splicing is currently unknown. In summary, the available evidence is currently insufficient to determine the role of this variant in disease. Therefore, it has been classified as a Variant of Uncertain Significance.

NM_025081.3(NYNRIN):c.3276C>T (p.Thr1092=)

Gene: NYNRIN (NYN domain and retroviral integrase containing; plus strand). Cytogenetic location: 14q12.
Variant type: single nucleotide variant.
Coding change: c.3276C>T on transcript NM_025081.3 (MANE Select); coding-DNA position 3276, C replaced by T.
Protein change: p.Thr1092=; no amino-acid change (threonine 1092 retained).
Molecular consequence: synonymous variant.
Genome position (GRCh38, 1-based): chr14:24,415,025, C>T. VCF-style: chr14-24415025-C-T. GRCh37 (hg19) VCF-style: chr14-24884231-C-T.
Identifiers: ClinVar variation 3644908 (VCV003644908.2).